The following is an entry in ClinVar:

NM_000169.3(GLA):c.544G>A (p.Asp182Asn)

Genes: GLA (galactosidase alpha; minus strand), RPL36A-HNRNPH2 (RPL36A-HNRNPH2 readthrough; plus strand). Cytogenetic location: Xq22.1.
Variant type: single nucleotide variant.
Coding change: c.544G>A on transcript NM_000169.3 (MANE Select); coding-DNA position 544, G replaced by A.
Protein change: p.Asp182Asn; replaces aspartic acid 182 with asparagine.
Molecular consequence: missense variant. On other transcripts: non-coding transcript variant (3), intron variant (2).
Genome position (GRCh38, 1-based): chrX:101,401,635, C>T on the plus strand (G>A on the coding strand, the complement: GLA is on the minus strand). VCF-style: chrX-101401635-C-T. GRCh37 (hg19) VCF-style: chrX-100656623-C-T.
Other names: c.667G>A, p.Asp223Asn (NM_001406747.1, NM_001406749.1); c.544G>A, p.Asp182Asn (NM_001406748.1); c.300+6178C>T (NM_001199973.2); c.177+9813C>T (NM_001199974.2); short protein forms D182N, D223N.
Identifiers: ClinVar variation 1171503 (VCV001171503.5), dbSNP rs1555985794, ClinGen allele CA413928453.
Genomic context (GRCh38, chrX:101,401,635, plus strand): 5'-CTACCATGGCCTCAAAGTTCTTTCCTTTGTGGCTAAATCTCTGGAATGAAACATTACCAT[C>T]TGCCAAATTTTCCAAACTGTCACAGTAACAACCATCAAATTTTAGCAGATCTACTCCCCA-3'
Protein context (NP_000160.1, residues 172-192): CYCDSLENLA[Asp182Asn]GYKHMSLALN

ClinVar aggregate classification (germline): Uncertain significance. Review status: criteria provided, multiple submitters, no conflicts (2 of 4 stars). 2 submissions from 2 submitters: Uncertain significance (2). Last evaluated 2026-09-08.

Conditions:
Fabry disease. Also called: ALPHA-GALACTOSIDASE A DEFICIENCY; ANDERSON-FABRY DISEASE; CERAMIDE TRIHEXOSIDASE DEFICIENCY; GLA DEFICIENCY; HEREDITARY DYSTOPIC LIPIDOSIS; Fabry's disease. Identifiers: Orphanet 324, MedGen C0002986, MONDO:0010526, OMIM 301500, HP:0001071. Disease mechanism: loss of function, Fabry disease is due to inactivating mutations in the X-linked GLA gene resulting in deficiency of the enzyme Alpha Galactosidase-A..

Allele frequency attached by ClinVar (database versions not stated): gnomAD exomes 0.00001.
gnomAD v4.1: 26 of 1,208,611 alleles (0.0022%); highest among the groups gnomAD compares: Non-Finnish European, 0.0028%; no homozygotes.

Submissions (2):

Genomenon, Inc
Classification: Uncertain significance for Fabry disease. Last evaluated: 2026-09-08. Review status: criteria provided, single submitter. Criteria: Genomenon Sequence Variant Interpretation Standards - Updated. Collection method: curation. Allele origin: germline. Affected: yes.
Comment: GLA p.Asp182Asn (c.544G>A) is a missense variant that changes the amino acid at codon 182 from Aspartic acid to Asparagine. This variant has been observed in at least one proband with clinical features consistent with Fabry disease (PMID:38226450). Functional or patient cell studies have been reported (PMID:38226450). It is absent or not present at a significant frequency in gnomAD. In silico models predict that this variant is not damaging. In conclusion, we classify GLA p.Asp182Asn (c.544G>A) as a variant of uncertain significance.

Color Diagnostics, LLC DBA Color Health
Classification: Uncertain significance for Fabry disease. Last evaluated: 2024-03-06. Review status: criteria provided, single submitter. Criteria: ACMG Guidelines, 2015. Collection method: clinical testing. Allele origin: germline.
Comment: This missense variant replaces aspartic acid with asparagine at codon 182 of the GLA protein. Computational prediction suggests that this variant may not impact protein structure and function (internally defined REVEL score threshold <= 0.5, PMID: 27666373). To our knowledge, functional studies have not been reported for this variant. This variant has not been reported in individuals affected with cardiovascular disorders in the literature. This variant has been identified in 1/183417 chromosomes in the general population by the Genome Aggregation Database (gnomAD). The available evidence is insufficient to determine the role of this variant in disease conclusively. Therefore, this variant is classified as a Variant of Uncertain Significance.

Literature cited by the submitters: PubMed 38226450 (cited by Genomenon, Inc).